The following is an entry in ClinVar:

NM_000222.3(KIT):c.1268A>G (p.Asn423Ser)

Gene: KIT (KIT proto-oncogene, receptor tyrosine kinase; plus strand). Cytogenetic location: 4q12.
Variant type: single nucleotide variant.
Coding change: c.1268A>G on transcript NM_000222.3 (MANE Select); coding-DNA position 1268, A replaced by G.
Protein change: p.Asn423Ser; replaces asparagine 423 with serine.
Molecular consequence: missense variant.
Genome position (GRCh38, 1-based): chr4:54,723,620, A>G. VCF-style: chr4-54723620-A-G. GRCh37 (hg19) VCF-style: chr4-55589786-A-G.
Other names: c.1271A>G, p.Asn424Ser (NM_001385292.1, NM_001385284.1, NM_001385288.1 and 1 more transcripts); c.1268A>G, p.Asn423Ser (NM_001093772.2, NM_001385285.1, NM_001385286.1); short protein forms N424S, N423S.
Identifiers: ClinVar variation 2728152 (VCV002728152.4), dbSNP rs2109760742, ClinGen allele CA356905468.

ClinVar aggregate classification (germline): Uncertain significance. Review status: criteria provided, multiple submitters, no conflicts (2 of 4 stars). 2 submissions from 2 submitters: Uncertain significance (2). Last evaluated 2024-07-18.

Conditions:
Hereditary cancer-predisposing syndrome. Also called: Neoplastic Syndromes, Hereditary; Tumor predisposition; Hereditary Cancer Syndrome; Hereditary neoplastic syndrome. Identifiers: Orphanet 140162, MedGen C0027672, MeSH D009386, MONDO:0015356.
Gastrointestinal stromal tumor. Also called: Gastrointestinal stromal tumor, somatic; Gastrointestinal stroma tumor. Identifiers: Orphanet 44890, MedGen C0238198, MeSH D046152, MONDO:0011719, OMIM 606764, HP:0100723.

Allele frequency attached by ClinVar (database versions not stated): gnomAD exomes below 0.00001.
gnomAD v4.1: 1 of 1,614,122 alleles (0.000062%); highest among the groups gnomAD compares: African/African-American, 0.0013%; no homozygotes.

Submissions (2):

Ambry Genetics
Classification: Uncertain significance for Hereditary cancer-predisposing syndrome. Last evaluated: 2024-07-18. Review status: criteria provided, single submitter. Criteria: Ambry Variant Classification Scheme 2023. Collection method: clinical testing. Allele origin: germline.
Comment: The p.N423S variant (also known as c.1268A>G), located in coding exon 8 of the KIT gene, results from an A to G substitution at nucleotide position 1268. The asparagine at codon 423 is replaced by serine, an amino acid with highly similar properties. This amino acid position is conserved. In addition, this alteration is predicted to be tolerated by in silico analysis. Based on the available evidence, the clinical significance of this variant remains unclear.

Labcorp Genetics (formerly Invitae), Labcorp
Classification: Uncertain significance for Gastrointestinal stromal tumor. Last evaluated: 2023-03-27. Review status: criteria provided, single submitter. Criteria: Invitae Variant Classification Sherloc (09022015). Collection method: clinical testing. Allele origin: germline.
Comment: In summary, the available evidence is currently insufficient to determine the role of this variant in disease. Therefore, it has been classified as a Variant of Uncertain Significance. This sequence change replaces asparagine, which is neutral and polar, with serine, which is neutral and polar, at codon 423 of the KIT protein (p.Asn423Ser). This variant is not present in population databases (gnomAD no frequency). This variant has not been reported in the literature in individuals affected with KIT-related conditions. Algorithms developed to predict the effect of missense changes on protein structure and function output the following: SIFT: "Not Available"; PolyPhen-2: "Benign"; Align-GVGD: "Not Available". The serine amino acid residue is found in multiple mammalian species, which suggests that this missense change does not adversely affect protein function.